The following is an entry in ClinVar:

ClinVar aggregate classification (germline): Likely pathogenic (1 of 4 stars; one submission).

Submission:

CeGaT Center for Human Genetics Tuebingen
Classification: Likely pathogenic. Last evaluated: 2025-07-01. Review status: criteria provided, single submitter. Criteria: CeGaT Center For Human Genetics Tuebingen Variant Classification Criteria Version 2. Collection method: clinical testing. Allele origin: germline. Affected: yes. Observed: 2 variant alleles.
Comment: GLRA1: PM1, PM2, PP3, PS4:Supporting

NM_000171.4(GLRA1):c.898G>C (p.Ala300Pro)

Gene: GLRA1 (glycine receptor alpha 1; minus strand). Cytogenetic location: 5q33.1.
Variant type: single nucleotide variant.
Coding change: c.898G>C on transcript NM_000171.4 (MANE Select); coding-DNA position 898, G replaced by C.
Protein change: p.Ala300Pro; replaces alanine 300 with proline.
Molecular consequence: missense variant.
Genome position (GRCh38, 1-based): chr5:151,851,404, C>G on the plus strand (G>C on the coding strand, the complement: GLRA1 is on the minus strand). VCF-style: chr5-151851404-C-G. GRCh37 (hg19) VCF-style: chr5-151230965-C-G.
Other names: c.898G>C, p.Ala300Pro (NM_001146040.2); c.649G>C, p.Ala217Pro (NM_001292000.2); short protein forms A217P, A300P.
Identifiers: ClinVar variation 4084966 (VCV004084966.8).